The following is an entry in ClinVar:

NM_001372044.2(SHANK3):c.399G>T (p.Pro133=)

Gene: SHANK3 (SH3 and multiple ankyrin repeat domains 3; plus strand). Cytogenetic location: 22q13.33.
Variant type: single nucleotide variant.
Coding change: c.399G>T on transcript NM_001372044.2 (MANE Select); coding-DNA position 399, G replaced by T.
Protein change: p.Pro133=; no amino-acid change (proline 133 retained).
Molecular consequence: synonymous variant.
Genome position (GRCh38, 1-based): chr22:50,675,158, G>T. VCF-style: chr22-50675158-G-T. GRCh37 (hg19) VCF-style: chr22-51113586-G-T.
Other names: c.174G>T, p.Pro58= (NM_033517.1).
Identifiers: ClinVar variation 2578926 (VCV002578926.25), dbSNP rs768113393, ClinGen allele CA325556935.
Genomic context (GRCh38, chr22:50,675,158, plus strand): 5'-CGTGCTCTGCGCCCTCAACCACAGCCTCCAGGACGCGCTCAACTATGGGCTTTTCCAGCC[G>T]CCCTCCCGGGGCCGCGCCGGCAAGTTCCTGGATGAGGAGCGGCTCCTGCAGGAGTACCCG-3'
Protein context (NP_001358973.1, residues 123-143): QDALNYGLFQ[Pro133=]PSRGRAGKFL

ClinVar aggregate classification (germline): Likely benign (1 of 4 stars; one submission).

Submission:

CeGaT Center for Human Genetics Tuebingen
Classification: Likely benign. Last evaluated: 2023-07-01. Review status: criteria provided, single submitter. Criteria: CeGaT Center For Human Genetics Tuebingen Variant Classification Criteria Version 2. Collection method: clinical testing. Allele origin: germline. Affected: yes. Observed: 1 variant allele.
Comment: SHANK3: BP4, BP7